The following is an entry in ClinVar:

ClinVar aggregate classification (germline): Uncertain significance. Review status: criteria provided, multiple submitters, no conflicts (2 of 4 stars). 3 submissions from 3 submitters: Uncertain significance (3). Last evaluated 2026-08-04.

Conditions:
SEMA3A-related disorder. Also called: SEMA3A-related condition.

Allele frequency attached by ClinVar (database versions not stated): ExAC 0.00003; gnomAD exomes 0.00003 and 0.00005; TOPMed 0.00007; gnomAD 0.00011 and 0.00012.
gnomAD v4.1: 92 of 1,613,740 alleles (0.0057%); highest among the groups gnomAD compares: African/African-American, 0.019%; no homozygotes.

Submissions (3):

PreventionGenetics, part of Exact Sciences
Classification: Uncertain significance for SEMA3A-related condition. Last evaluated: 2026-08-04. Review status: criteria provided, single submitter. Criteria: ACMG Guidelines, 2015. Collection method: clinical testing. Allele origin: germline.
Comment: The SEMA3A c.1910G>A variant is predicted to result in the amino acid substitution p.Arg637His. This variant was also described in a cohort of individuals with hypogonadism (Adorni et al. 2019. PubMed ID: 30835274). This variant is reported in 0.016% of alleles in individuals of African descent in gnomAD, which is higher than expected for a disease causing variant in this gene. Further, a 2022 cohort classified this variant as Likely Benign (Federici et al. 2022. PubMed ID: 36531499). Although we suspect that this variant may be benign, at this time, the clinical significance of this variant is uncertain due to the absence of conclusive functional and genetic evidence.

Labcorp Genetics (formerly Invitae), Labcorp
Classification: Uncertain significance. Last evaluated: 2022-06-05. Review status: criteria provided, single submitter. Criteria: Invitae Variant Classification Sherloc (09022015). Collection method: clinical testing. Allele origin: germline.
Comment: In summary, the available evidence is currently insufficient to determine the role of this variant in disease. Therefore, it has been classified as a Variant of Uncertain Significance. Algorithms developed to predict the effect of missense changes on protein structure and function are either unavailable or do not agree on the potential impact of this missense change (SIFT: "Deleterious"; PolyPhen-2: "Probably Damaging"; Align-GVGD: "Class C0"). ClinVar contains an entry for this variant (Variation ID: 1385323). This variant has not been reported in the literature in individuals affected with SEMA3A-related conditions. This variant is present in population databases (rs766918295, gnomAD 0.02%). This sequence change replaces arginine, which is basic and polar, with histidine, which is basic and polar, at codon 637 of the SEMA3A protein (p.Arg637His).

Revvity Omics, Revvity
Classification: Uncertain significance. Last evaluated: 2019-04-12. Review status: criteria provided, single submitter. Criteria: ACMG Guidelines, 2015. Collection method: clinical testing. Allele origin: germline.

NM_006080.3(SEMA3A):c.1910G>A (p.Arg637His)

Gene: SEMA3A (semaphorin 3A; minus strand). Cytogenetic location: 7q21.11.
Variant type: single nucleotide variant.
Coding change: c.1910G>A on transcript NM_006080.3 (MANE Select); coding-DNA position 1910, G replaced by A.
Protein change: p.Arg637His; replaces arginine 637 with histidine.
Molecular consequence: missense variant.
Genome position (GRCh38, 1-based): chr7:83,961,777, C>T on the plus strand (G>A on the coding strand, the complement: SEMA3A is on the minus strand). VCF-style: chr7-83961777-C-T. GRCh37 (hg19) VCF-style: chr7-83591093-C-T.
Other names: c.1910G>A (NM_006080.2); short protein forms R637H.
Identifiers: ClinVar variation 1385323 (VCV001385323.10), dbSNP rs766918295, ClinGen allele CA4322574.